The following is an entry in ClinVar:

NM_004329.3(BMPR1A):c.1230del (p.Glu411fs)

Gene: BMPR1A (bone morphogenetic protein receptor type 1A; plus strand). Cytogenetic location: 10q23.2.
Variant type: Deletion.
Coding change: c.1230del on transcript NM_004329.3 (MANE Select); coding-DNA position 1230, one base deleted (C; older notation c.1230delC).
Protein change: p.Glu411fs; shifts the reading frame from glutamic acid 411.
Molecular consequence: frameshift variant. On other transcripts: non-coding transcript variant (3).
Genome position (GRCh38, 1-based): chr10:86,921,583, C deleted; the last of 3 consecutive C bases (chr10:86,921,581-86,921,583); deleting any one gives the same sequence. VCF-style (leftmost placement, unchanged base first): chr10-86921580-TC-T. GRCh37 (hg19) VCF-style: chr10-88681337-TC-T.
Other names: c.1230del, p.Glu411fs (NM_001406573.1, NM_001406574.1, NM_001406575.1 and 19 more transcripts); c.1305del, p.Glu436fs (NM_001406559.1); c.1224del, p.Glu409fs (NM_001406583.1); c.1146del, p.Glu383fs (NM_001406584.1, NM_001406585.1, NM_001406586.1 and 2 more transcripts); c.888del, p.Glu297fs (NM_001406589.1); c.1278del, p.Glu427fs (NM_001406560.1); short protein forms E297fs, E383fs, E409fs, E411fs, E427fs, E436fs.
Identifiers: ClinVar variation 2584154 (VCV002584154.2), dbSNP rs2539636515, ClinGen allele CA2582342693.
Genomic context (GRCh38, chr10:86,921,580, plus strand): 5'-TGACACAAATGAAGTTGATGTGCCCTTGAATACCAGGGTGGGCACCAAACGCTACATGGC[TC>T]CCGAAGTGCTGGACGAAAGCCTGAACAAAAACCACTTCCAGCCCTACATCATGGCTGACA-3'

ClinVar aggregate classification (germline): Pathogenic (1 of 4 stars; one submission).

Conditions:
Juvenile polyposis syndrome (JPS). Identifiers: Orphanet 2929, MedGen C0345893, MONDO:0017380, OMIM 174900.

Submission:

Myriad Genetics, Inc.
Classification: Pathogenic for Juvenile polyposis syndrome. Last evaluated: 2023-05-26. Review status: criteria provided, single submitter. Criteria: Myriad Autosomal Dominant, Autosomal Recessive and X-Linked Classification Criteria (2023). Collection method: clinical testing. Allele origin: unknown.
Comment: This variant is considered pathogenic. This variant creates a frameshift predicted to result in premature protein truncation.